The following is an entry in ClinVar:

ClinVar aggregate classification (germline): Likely pathogenic (1 of 4 stars; one submission).

Conditions:
Prolonged electroretinal response suppression 1 (PERRS1). Also called: BRADYOPSIA 1. Identifiers: MedGen C5829874, MONDO:0958180, OMIM 608415.

Submission:

First Genomix Gene Laboratory, Genetic Diagnostics Department
Classification: Likely pathogenic for Prolonged electroretinal response suppression 1. Last evaluated: 2025-09-29. Review status: criteria provided, single submitter. Criteria: ACMG Guidelines, 2015. Collection method: clinical testing. Allele origin: germline. Inheritance: Autosomal recessive inheritance. Affected: no. Observed: 1 variant allele.

NM_003835.4(RGS9):c.1337del (p.Pro446fs)

Gene: RGS9 (regulator of G protein signaling 9; plus strand). Cytogenetic location: 17q24.1.
Variant type: Deletion.
Coding change: c.1337del on transcript NM_003835.4 (MANE Select); coding-DNA position 1337, one base deleted (C; older notation c.1337delC).
Protein change: p.Pro446fs; shifts the reading frame from proline 446.
Molecular consequence: frameshift variant.
Genome position (GRCh38, 1-based): chr17:65,210,535, C deleted; the last of 3 consecutive C bases (chr17:65,210,533-65,210,535); deleting any one gives the same sequence. VCF-style (leftmost placement, unchanged base first): chr17-65210532-GC-G. GRCh37 (hg19) VCF-style: chr17-63206650-GC-G.
Other names: c.1328del, p.Pro443fs (NM_001081955.3, NM_001165933.2); short protein forms P443fs, P446fs.
Identifiers: ClinVar variation 4850308 (VCV004850308.1).
Genomic context (GRCh38, chr17:65,210,532, plus strand): 5'-CTGTCCTTCCTTCCAGCTCCACCCTCCCTTTTATGCGGCGTCACCTGCGCTCCAGCCCAA[GC>G]CCTGTCATCCTGAGACAGCTGGAAGAGGAAGCCAAGGCCCGAGAAGCAGCCAACACTGTG-3'